The following is an entry in ClinVar:

NM_001130823.3(DNMT1):c.1645-8_1645-7del

Gene: DNMT1 (DNA methyltransferase 1; minus strand). Cytogenetic location: 19p13.2.
Variant type: Microsatellite.
Coding change: c.1645-8_1645-7del on transcript NM_001130823.3 (MANE Select); 8 bases into the intron before coding-DNA position 1645 through 7 bases into the intron before coding-DNA position 1645, 2 bases deleted (CT; older notation c.1645-8_1645-7delCT).
Molecular consequence: intron variant.
Genome position (GRCh38, 1-based): chr19:10,154,780-10,154,781, AG deleted on the plus strand (CT on the coding strand, the reverse complement: DNMT1 is on the minus strand); deleting any 2 consecutive bases within chr19:10,154,780-10,154,784 gives the same sequence; the c. name uses the placement nearest the transcript's 3' end. VCF-style (leftmost placement, unchanged base first): chr19-10154779-AAG-A. GRCh37 (hg19) VCF-style: chr19-10265455-AAG-A.
Other names: c.1282-8_1282-7del (NM_001318731.2); c.1597-8_1597-7del (NM_001379.4, NM_001318730.2).
Identifiers: ClinVar variation 2754839 (VCV002754839.3), dbSNP rs2513822335, ClinGen allele CA2697556232.

ClinVar aggregate classification (germline): Uncertain significance (1 of 4 stars; one submission).

Conditions:
Hereditary sensory neuropathy-deafness-dementia syndrome. Also called: HSN IE; Hereditary sensory neuropathy type IE; NEUROPATHY, HEREDITARY SENSORY, WITH HEARING LOSS AND DEMENTIA; Hereditary Sensory and Autonomic Neuropathy Type 1E (HSAN1E). Identifiers: Orphanet 456318, MedGen C3279885, MONDO:0013584, OMIM 614116.

Submission:

Labcorp Genetics (formerly Invitae), Labcorp
Classification: Uncertain significance for Hereditary sensory neuropathy-deafness-dementia syndrome. Last evaluated: 2023-08-24. Review status: criteria provided, single submitter. Criteria: Invitae Variant Classification Sherloc (09022015). Collection method: clinical testing. Allele origin: germline.
Comment: In summary, the available evidence is currently insufficient to determine the role of this variant in disease. Therefore, it has been classified as a Variant of Uncertain Significance. Algorithms developed to predict the effect of sequence changes on RNA splicing suggest that this variant may disrupt the consensus splice site. This variant has been observed in individual(s) with clinical features of DNMT1-related conditions (Invitae). This variant is not present in population databases (gnomAD no frequency). This sequence change falls in intron 20 of the DNMT1 gene. It does not directly change the encoded amino acid sequence of the DNMT1 protein.